The following is an entry in ClinVar:

NM_015910.7(WDPCP):c.763A>G (p.Ile255Val)

Gene: WDPCP (WD repeat containing planar cell polarity effector; minus strand). Cytogenetic location: 2p15.
Variant type: single nucleotide variant.
Coding change: c.763A>G on transcript NM_015910.7 (MANE Select); coding-DNA position 763, A replaced by G.
Protein change: p.Ile255Val; replaces isoleucine 255 with valine.
Molecular consequence: missense variant. On other transcripts: non-coding transcript variant (3).
Genome position (GRCh38, 1-based): chr2:63,433,807, T>C on the plus strand (A>G on the coding strand, the complement: WDPCP is on the minus strand). VCF-style: chr2-63433807-T-C. GRCh37 (hg19) VCF-style: chr2-63660941-T-C.
Other names: c.286A>G, p.Ile96Val (NM_001042692.3); c.691A>G, p.Ile231Val (NM_001354044.2); c.763A>G, p.Ile255Val (NM_001354045.2); short protein forms I231V, I255V, I96V.
Identifiers: ClinVar variation 1057440 (VCV001057440.6), dbSNP rs764485190, ClinGen allele CA1682357.
Genomic context (GRCh38, chr2:63,433,807, plus strand): 5'-CTAGTCTTCCTTGAGCATAACCCAGGAGGAGTAGATTGGCTCTGTCCTTCTCAGAAGAAA[T>C]GGGGGCCCAAGGCCAAGCATCATCGTTGACCAGTGGCCACCAGCAAACAACTCTATCATG-3'
Protein context (NP_056994.3, residues 245-265): VNDDAWPWAP[Ile255Val]SSEKDRANLL

ClinVar aggregate classification (germline): Uncertain significance (1 of 4 stars; one submission).

Conditions:
Bardet-Biedl syndrome (BBS). Identifiers: Orphanet 110, MedGen C0752166, MONDO:0015229.

Allele frequency attached by ClinVar (database versions not stated): gnomAD exomes below 0.00001; ExAC 0.00001.
gnomAD v4.1: 7 of 1,612,162 alleles (0.00043%); highest among the groups gnomAD compares: African/African-American, 0.004%; no homozygotes.

Submission:

Labcorp Genetics (formerly Invitae), Labcorp
Classification: Uncertain significance for Bardet-Biedl syndrome. Last evaluated: 2021-09-01. Review status: criteria provided, single submitter. Criteria: Invitae Variant Classification Sherloc (09022015). Collection method: clinical testing. Allele origin: germline.
Comment: This sequence change replaces isoleucine with valine at codon 255 of the WDPCP protein (p.Ile255Val). The isoleucine residue is moderately conserved and there is a small physicochemical difference between isoleucine and valine. This variant is present in population databases (rs764485190, ExAC 0.01%). This variant has not been reported in the literature in individuals affected with WDPCP-related conditions. Algorithms developed to predict the effect of missense changes on protein structure and function output the following: SIFT: "Tolerated"; PolyPhen-2: "Benign"; Align-GVGD: "Class C0". The valine amino acid residue is found in multiple mammalian species, which suggests that this missense change does not adversely affect protein function. In summary, the available evidence is currently insufficient to determine the role of this variant in disease. Therefore, it has been classified as a Variant of Uncertain Significance.